The following is an entry in ClinVar:

ClinVar aggregate classification (germline): Uncertain significance (1 of 4 stars; one submission).

Conditions:
DICER1-related tumor predisposition. Also called: DICER1 syndrome; DICER1-related pleuropulmonary blastoma cancer predisposition syndrome. Identifiers: Orphanet 284343, MedGen C3839822, MONDO:0100216.

gnomAD v4.1: 3 of 1,614,216 alleles (0.00019%); highest among the groups gnomAD compares: Non-Finnish European, 0.00025%; no homozygotes.

Submission:

Labcorp Genetics (formerly Invitae), Labcorp
Classification: Uncertain significance for DICER1-related tumor predisposition. Last evaluated: 2024-11-27. Review status: criteria provided, single submitter. Criteria: Invitae Variant Classification Sherloc (09022015). Collection method: clinical testing. Allele origin: germline.
Comment: This sequence change replaces leucine, which is neutral and non-polar, with proline, which is neutral and non-polar, at codon 980 of the DICER1 protein (p.Leu980Pro). This variant is not present in population databases (gnomAD no frequency). This variant has not been reported in the literature in individuals affected with DICER1-related conditions. Invitae Evidence Modeling of protein sequence and biophysical properties (such as structural, functional, and spatial information, amino acid conservation, physicochemical variation, residue mobility, and thermodynamic stability) indicates that this missense variant is not expected to disrupt DICER1 protein function with a negative predictive value of 95%. In summary, the available evidence is currently insufficient to determine the role of this variant in disease. Therefore, it has been classified as a Variant of Uncertain Significance.

NM_177438.3(DICER1):c.2939T>C (p.Leu980Pro)

Gene: DICER1 (dicer 1, ribonuclease III; minus strand). Cytogenetic location: 14q32.13.
Variant type: single nucleotide variant.
Coding change: c.2939T>C on transcript NM_177438.3 (MANE Select); coding-DNA position 2939, T replaced by C.
Protein change: p.Leu980Pro; replaces leucine 980 with proline.
Molecular consequence: missense variant. On other transcripts: non-coding transcript variant (6).
Genome position (GRCh38, 1-based): chr14:95,106,089, A>G on the plus strand (T>C on the coding strand, the complement: DICER1 is on the minus strand). VCF-style: chr14-95106089-A-G. GRCh37 (hg19) VCF-style: chr14-95572426-A-G.
Other names: c.2939T>C, p.Leu980Pro (NM_001195573.1, NM_001271282.3, NM_001291628.2 and 12 more transcripts); c.2657T>C, p.Leu886Pro (NM_001395686.1); c.2534T>C, p.Leu845Pro (NM_001395687.1, NM_001395688.1, NM_001395689.1 and 2 more transcripts); c.2372T>C, p.Leu791Pro (NM_001395691.1); c.1256T>C, p.Leu419Pro (NM_001395697.1); short protein forms L886P, L791P, L845P, L419P, L980P.
Identifiers: ClinVar variation 3720191 (VCV003720191.2).
Genomic context (GRCh38, chr14:95,106,089, plus strand): 5'-GAAGCCCCTTACCTTGAAGATGTGTGGTCCACATCCAGCAGTGGCTGGTTGAGATTGGTT[A>G]GGTCAAGGTTGTACTTTGTTTTATAATATTCTGCAAAAGTTTCATACTCAGGGGAAGGAA-3'
Protein context (NP_803187.1, residues 970-990): EYYKTKYNLD[Leu980Pro]TNLNQPLLDV